The following is an entry in ClinVar:

ClinVar aggregate classification (germline): Uncertain significance (1 of 4 stars; one submission).

Conditions:
Spastic paraplegia. Identifiers: MedGen C0037772, HP:0001258.

Allele frequency attached by ClinVar (database versions not stated): gnomAD exomes 0.00001.
gnomAD v4.1: 6 of 1,211,843 alleles (0.0005%); highest among the groups gnomAD compares: Admixed American, 0.0022%; no homozygotes.

Submission:

Labcorp Genetics (formerly Invitae), Labcorp
Classification: Uncertain significance for Spastic paraplegia. Last evaluated: 2022-06-27. Review status: criteria provided, single submitter. Criteria: Invitae Variant Classification Sherloc (09022015). Collection method: clinical testing. Allele origin: germline.
Comment: In summary, the available evidence is currently insufficient to determine the role of this variant in disease. Therefore, it has been classified as a Variant of Uncertain Significance. Algorithms developed to predict the effect of sequence changes on RNA splicing suggest that this variant may create or strengthen a splice site. This variant has not been reported in the literature in individuals affected with KDM5C-related conditions. This variant is not present in population databases (gnomAD no frequency). This sequence change affects codon 42 of the KDM5C mRNA. It is a 'silent' change, meaning that it does not change the encoded amino acid sequence of the KDM5C protein.

NM_004187.5(KDM5C):c.126C>T (p.Gly42=)

Genes: KDM5C (lysine demethylase 5C; minus strand), LOC130068308 (ATAC-STARR-seq lymphoblastoid active region 29656; plus strand). Cytogenetic location: Xp11.22.
Variant type: single nucleotide variant.
Coding change: c.126C>T on transcript NM_004187.5 (MANE Select); coding-DNA position 126, C replaced by T.
Protein change: p.Gly42=; no amino-acid change (glycine 42 retained).
Molecular consequence: synonymous variant. On other transcripts: non-coding transcript variant (3).
Genome position (GRCh38, 1-based): chrX:53,224,764, G>A on the plus strand (C>T on the coding strand, the complement: KDM5C is on the minus strand). VCF-style: chrX-53224764-G-A. GRCh37 (hg19) VCF-style: chrX-53253946-G-A.
Other names: c.126C>T, p.Gly42= (NM_001146702.2, NM_001282622.3, NM_001353978.3 and 4 more transcripts).
Identifiers: ClinVar variation 2083267 (VCV002083267.4), dbSNP rs2519628591, ClinGen allele CA516413801.